The following is an entry in ClinVar:

ClinVar aggregate classification (germline): Uncertain significance. Review status: criteria provided, single submitter (1 of 4 stars). 2 submissions from 2 submitters: Uncertain significance (1). 1 of the submissions does not count toward it. Last evaluated 2024-07-31.
ClinVar aggregate classification (somatic clinical impact): Tier I - Strong (1 of 4 stars; one submission).

Conditions:
Von Hippel-Lindau syndrome (VHLS). Also called: VHL syndrome; Von Hippel-Lindau; von Hippel–Lindau syndrome. Identifiers: Orphanet 892, MedGen C0019562, MONDO:0008667, OMIM 193300. Disease mechanism: loss of function.
Pheochromocytoma. Also called: MAX-Related Hereditary Paraganglioma-Pheochromocytoma Syndrome. Identifiers: Orphanet 29072, MedGen C0031511, MONDO:0008233, OMIM 171300, HP:0002666.

Submissions (3):

3billion
Classification: Uncertain significance for Von Hippel-Lindau syndrome. Last evaluated: 2024-07-31. Review status: criteria provided, single submitter. Criteria: ACMG Guidelines, 2015. Collection method: clinical testing. Allele origin: germline. Affected: yes.
Comment: The variant is not observed in the gnomAD v4.0.0 dataset. Predicted Consequence/Location: Missense variant In silico tool predictions suggest damaging effect of the variant on gene or gene product [REVEL: 0.85 (>=0.6, sensitivity 0.68 and specificity 0.92); 3Cnet: 0.99 (>=0.6, sensitivity 0.72 and precision 0.9)]. The same nucleotide change resulting in the same amino acid change has been previously reported to be associated with VHL related disorder (ClinVar ID: VCV001326284 /PMID: 19258401). However, the evidence of pathogenicity is insufficient at this time. Therefore, this variant is classified as VUS according to the recommendation of ACMG/AMP guideline.

Institute for Genomic Medicine (IGM) Clinical Laboratory, Nationwide Children's Hospital
Classification: Tier I - Strong for Pheochromocytoma. Assertion type: diagnostic. Clinical significance: supports diagnosis. Last evaluated: 2024-03-20. Review status: criteria provided, single submitter. Criteria: AMP/ASCO/CAP Guidelines, 2017. Collection method: clinical testing. Allele origin: somatic. Affected: yes.
Comment: Variant has Tier I (strong) clinical significance as a diagnostic inclusion criterion in pheochromocytoma, based on the following evidence: 1) Appears in one or more well-established professional guidelines (e.g., World Health Organization [WHO]; National Comprehensive Cancer Network [NCCN]) as providing diagnostic, prognostic, or therapeutic information (PMIDs: 21784903, 25545346, 28162975, 29413423, 33362715, 36854674). 2) Diagnostic for a specific tumor type/classification based on well-powered studies with expert-level consensus (Evidence Level B; PMIDs: 21784903, 25545346, 28162975, 29413423, 33362715, 36854674).

Department of Pharmacy, The First Affiliated Hospital of Zhengzhou University
Classification: Likely pathogenic for Von Hippel-Lindau syndrome. Last evaluated: 2021-10-06. Review status: no assertion criteria provided. Collection method: clinical testing. Allele origin: de novo. Affected: no. Observed: 2 variant alleles. Not counted in ClinVar's aggregate classification.

Literature cited by the submitters: PubMed 19258401 (cited by 3billion); PubMed 21784903 (cited by Institute for Genomic Medicine (IGM) Clinical Laboratory, Nationwide Children's Hospital); PubMed 25545346 (cited by Institute for Genomic Medicine (IGM) Clinical Laboratory, Nationwide Children's Hospital); PubMed 28162975 (cited by Institute for Genomic Medicine (IGM) Clinical Laboratory, Nationwide Children's Hospital); PubMed 29413423 (cited by Institute for Genomic Medicine (IGM) Clinical Laboratory, Nationwide Children's Hospital); PubMed 33362715 (cited by Institute for Genomic Medicine (IGM) Clinical Laboratory, Nationwide Children's Hospital); PubMed 36854674 (cited by Institute for Genomic Medicine (IGM) Clinical Laboratory, Nationwide Children's Hospital).

NM_000551.4(VHL):c.284C>G (p.Pro95Arg)

Gene: VHL (von Hippel-Lindau tumor suppressor; plus strand). Cytogenetic location: 3p25.3.
Variant type: single nucleotide variant.
Coding change: c.284C>G on transcript NM_000551.4 (MANE Select); coding-DNA position 284, C replaced by G.
Protein change: p.Pro95Arg; replaces proline 95 with arginine.
Molecular consequence: missense variant.
Genome position (GRCh38, 1-based): chr3:10,142,131, C>G. VCF-style: chr3-10142131-C-G. GRCh37 (hg19) VCF-style: chr3-10183815-C-G.
Other names: c.284C>G, p.Pro95Arg (NM_001354723.2, NM_198156.3); short protein forms P95R.
Identifiers: ClinVar variation 1326284 (VCV001326284.4), dbSNP rs964996401, ClinGen allele CA351750809.